The following is an entry in ClinVar:

NM_003190.5(TAPBP):c.1229T>C (p.Leu410Pro)

Gene: TAPBP (TAP binding protein; minus strand). Cytogenetic location: 6p21.32.
Variant type: single nucleotide variant.
Coding change: c.1229T>C on transcript NM_003190.5 (MANE Select); coding-DNA position 1229, T replaced by C.
Protein change: p.Leu410Pro; replaces leucine 410 with proline.
Molecular consequence: missense variant.
Genome position (GRCh38, 1-based): chr6:33,304,199, A>G on the plus strand (T>C on the coding strand, the complement: TAPBP is on the minus strand). VCF-style: chr6-33304199-A-G. GRCh37 (hg19) VCF-style: chr6-33271976-A-G.
Other names: c.1229T>C, p.Leu410Pro (NM_001410875.1, NM_172208.3); c.968T>C, p.Leu323Pro (NM_172209.3); short protein forms L323P, L410P.
Identifiers: ClinVar variation 3707482 (VCV003707482.3).

ClinVar aggregate classification (germline): Uncertain significance. Review status: criteria provided, multiple submitters, no conflicts (2 of 4 stars). 2 submissions from 2 submitters: Uncertain significance (2). Last evaluated 2025-12-09.

Conditions:
MHC class I deficiency. Identifiers: Orphanet 34592, MedGen C6024714, MONDO:0011476.

Submissions (2):

Ambry Genetics
Classification: Uncertain significance. Last evaluated: 2025-12-09. Review status: criteria provided, single submitter. Criteria: Ambry Variant Classification Scheme 2023. Collection method: clinical testing. Allele origin: germline.

Labcorp Genetics (formerly Invitae), Labcorp
Classification: Uncertain significance for MHC class I deficiency 1. Last evaluated: 2024-07-23. Review status: criteria provided, single submitter. Criteria: Invitae Variant Classification Sherloc (09022015). Collection method: clinical testing. Allele origin: germline.
Comment: This sequence change replaces leucine, which is neutral and non-polar, with proline, which is neutral and non-polar, at codon 410 of the TAPBP protein (p.Leu410Pro). This variant is present in population databases (rs202018493, gnomAD 0.1%), and has an allele count higher than expected for a pathogenic variant. This variant has not been reported in the literature in individuals affected with TAPBP-related conditions. An algorithm developed to predict the effect of missense changes on protein structure and function (PolyPhen-2) suggests that this variant is likely to be disruptive. In summary, the available evidence is currently insufficient to determine the role of this variant in disease. Therefore, it has been classified as a Variant of Uncertain Significance.